The following is an entry in ClinVar:

NM_020207.7(ERCC6L2):c.2101-11T>C

Gene: ERCC6L2 (ERCC excision repair 6 like 2; plus strand). Cytogenetic location: 9q22.32.
Variant type: single nucleotide variant.
Coding change: c.2101-11T>C on transcript NM_020207.7 (MANE Select); 11 bases into the intron before coding-DNA position 2101, T replaced by C.
Molecular consequence: intron variant.
Genome position (GRCh38, 1-based): chr9:95,970,565, T>C. VCF-style: chr9-95970565-T-C. GRCh37 (hg19) VCF-style: chr9-98732847-T-C.
Other names: c.2101-11T>C (NM_001375291.1, NM_001375292.1, NM_001375294.1 and 1 more transcripts).
Identifiers: ClinVar variation 1929085 (VCV001929085.5), dbSNP rs944781023, ClinGen allele CA196596742.

ClinVar aggregate classification (germline): Uncertain significance (1 of 4 stars; one submission).

Allele frequency attached by ClinVar (database versions not stated): gnomAD 0.00001; TOPMed 0.00002.
gnomAD v4.1: 3 of 1,299,314 alleles (0.00023%); highest among the groups gnomAD compares: African/African-American, 0.003%; no homozygotes.

Submission:

Labcorp Genetics (formerly Invitae), Labcorp
Classification: Uncertain significance. Last evaluated: 2022-03-23. Review status: criteria provided, single submitter. Criteria: Invitae Variant Classification Sherloc (09022015). Collection method: clinical testing. Allele origin: germline.
Comment: In summary, the available evidence is currently insufficient to determine the role of this variant in disease. Therefore, it has been classified as a Variant of Uncertain Significance. Algorithms developed to predict the effect of sequence changes on RNA splicing suggest that this variant may create or strengthen a splice site. This variant has not been reported in the literature in individuals affected with ERCC6L2-related conditions. This variant is present in population databases (no rsID available, gnomAD 0.004%). This sequence change falls in intron 14 of the ERCC6L2 gene. It does not directly change the encoded amino acid sequence of the ERCC6L2 protein.